The following is an entry in ClinVar:

NM_001267550.2(TTN):c.49732G>T (p.Asp16578Tyr)

Genes: TTN (titin; minus strand), TTN-AS1 (TTN antisense RNA 1; plus strand). Cytogenetic location: 2q31.2.
Variant type: single nucleotide variant.
Coding change: c.49732G>T on transcript NM_001267550.2 (MANE Select); coding-DNA position 49732, G replaced by T.
Protein change: p.Asp16578Tyr; replaces aspartic acid 16578 with tyrosine.
Molecular consequence: missense variant.
Genome position (GRCh38, 1-based): chr2:178,612,989, C>A on the plus strand (G>T on the coding strand, the complement: TTN is on the minus strand). VCF-style: chr2-178612989-C-A. GRCh37 (hg19) VCF-style: chr2-179477716-C-A.
Other names: c.42028G>T, p.Asp14010Tyr (NM_133378.4); c.44809G>T, p.Asp14937Tyr (NM_001256850.1); c.22537G>T, p.Asp7513Tyr (NM_003319.4); c.22912G>T, p.Asp7638Tyr (NM_133432.3); c.23113G>T, p.Asp7705Tyr (NM_133437.4); short protein forms D14010Y, D16578Y, D14937Y, D7705Y, D7513Y, D7638Y.
Identifiers: ClinVar variation 179808 (VCV000179808.5), dbSNP rs727505143, ClinGen allele CA185180.

ClinVar aggregate classification (germline): Uncertain significance (1 of 4 stars; one submission).

Submission:

Laboratory for Molecular Medicine, Mass General Brigham Personalized Medicine
Classification: Uncertain significance. Last evaluated: 2014-06-27. Review status: criteria provided, single submitter. Criteria: LMM Criteria. Collection method: clinical testing. Allele origin: germline. Observed: 1 variant allele.
Comment: The Asp14010Tyr variant in TTN has not been previously reported in individuals w ith cardiomyopathy or in large population studies. Computational prediction tool s and conservation analysis suggest that this variant may impact the protein, th ough this information is not predictive enough to determine pathogenicity. In su mmary, the clinical significance of this variant is uncertain.